The following is an entry in ClinVar:

ClinVar aggregate classification (germline): Likely pathogenic (1 of 4 stars; one submission).

Conditions:
3-methylglutaconic aciduria with deafness, encephalopathy, and Leigh-like syndrome (MEGDEL). Also called: MEGDEL syndrome; SERAC1 Deficiency; 3-METHYLGLUTACONIC ACIDURIA, TYPE VI. Identifiers: Orphanet 352328, MedGen C4040739, MONDO:0013875, OMIM 614739.

Submission:

Service de Génétique Médicale, Centre Hospitalier Universitaire de Nice-Université Côte d'Azur
Classification: Likely pathogenic for 3-methylglutaconic aciduria with deafness, encephalopathy, and Leigh-like syndrome. Last evaluated: 2024-02-27. Review status: criteria provided, single submitter. Criteria: ACMG Guidelines, 2015. Collection method: clinical testing. Allele origin: germline. Affected: yes.

Literature cited by the submitters: PubMed 38703036.

NM_032861.4(SERAC1):c.1122_1124dup (p.Tyr375Ter)

Gene: SERAC1 (serine active site containing 1; minus strand). Cytogenetic location: 6q25.3.
Variant type: Duplication.
Coding change: c.1122_1124dup on transcript NM_032861.4 (MANE Select); coding-DNA positions 1122 to 1124, 3 bases duplicated (ATA; older notation c.1122_1124dupATA).
Protein change: p.Tyr375Ter; replaces tyrosine 375 with a stop codon.
Molecular consequence: nonsense. On other transcripts: non-coding transcript variant (1).
Genome position (GRCh38, 1-based): chr6:158,120,467-158,120,469, TAT duplicated on the plus strand (ATA on the coding strand, the reverse complement: SERAC1 is on the minus strand); duplicating any 3 consecutive bases within chr6:158,120,467-158,120,470 gives the same sequence; the c. name uses the placement nearest the transcript's 3' end. VCF-style (leftmost placement, unchanged base first): chr6-158120466-A-ATAT. GRCh37 (hg19) VCF-style: chr6-158541498-A-ATAT.
Other names: c.1124_1125insATA (NM_032861.4); short protein forms Y375*.
Identifiers: ClinVar variation 3767234 (VCV003767234.1).